The following is an entry in ClinVar:

NM_001166108.2(PALLD):c.*317A>T

Genes: CBR4 (carbonyl reductase 4; minus strand), PALLD (palladin, cytoskeletal associated protein; plus strand). Cytogenetic location: 4q32.3.
Variant type: single nucleotide variant.
Coding change: c.*317A>T on transcript NM_001166108.2 (MANE Select); 317 bases downstream of the stop codon, A replaced by T.
Molecular consequence: 3 prime UTR variant.
Genome position (GRCh38, 1-based): chr4:168,926,497, A>T. VCF-style: chr4-168926497-A-T. GRCh37 (hg19) VCF-style: chr4-169847648-A-T.
Other names: c.*112A>T (NM_001166109.2, NM_001166110.2, NM_001367568.1 and 1 more transcripts); c.*317A>T (NM_001367567.1, NM_001367570.1, NM_016081.4).
Identifiers: ClinVar variation 348049 (VCV000348049.5), dbSNP rs542531106, ClinGen allele CA10620403.

ClinVar aggregate classification (germline): Likely benign (1 of 4 stars; one submission).

Conditions:
Pancreatic cancer, susceptibility to, 1. Identifiers: Orphanet 1333, MedGen C1847351, MONDO:0011739, OMIM 606856.

Allele frequency attached by ClinVar (database versions not stated): gnomAD exomes 0.00067; 1000 Genomes Project 0.00579; gnomAD 0.22101 and 0.23477.
gnomAD v4.1: 1,292 of 544,446 alleles (0.24%); highest among the groups gnomAD compares: African/African-American, 7.1%; 16 homozygotes.

Submission:

Illumina Laboratory Services, Illumina
Classification: Likely benign for Pancreatic cancer, susceptibility to, 1. Last evaluated: 2017-04-27. Review status: criteria provided, single submitter. Criteria: ICSL Variant Classification Criteria 13 December 2019. Collection method: clinical testing. Allele origin: germline.
Comment: This variant was observed as part of a predisposition screen in an ostensibly healthy population. A literature search was performed for the gene, cDNA change, and amino acid change (where applicable). No publications were found based on this search. Allele frequency data from public databases allowed determination this variant is unlikely to cause disease. Therefore, this variant is classified as likely benign.